The following is an entry in ClinVar:

NM_000094.4(COL7A1):c.5626G>A (p.Glu1876Lys)

Gene: COL7A1 (collagen type VII alpha 1 chain; minus strand). Cytogenetic location: 3p21.31.
Variant type: single nucleotide variant.
Coding change: c.5626G>A on transcript NM_000094.4 (MANE Select); coding-DNA position 5626, G replaced by A.
Protein change: p.Glu1876Lys; replaces glutamic acid 1876 with lysine.
Molecular consequence: missense variant.
Genome position (GRCh38, 1-based): chr3:48,576,750, C>T on the plus strand (G>A on the coding strand, the complement: COL7A1 is on the minus strand). VCF-style: chr3-48576750-C-T. GRCh37 (hg19) VCF-style: chr3-48614183-C-T.
Other names: short protein forms E1876K.
Identifiers: ClinVar variation 2146390 (VCV002146390.1), dbSNP rs930473908, ClinGen allele CA352668329.
Genomic context (GRCh38, chr3:48,576,750, plus strand): 5'-CCACTGGCCCTGGGAGGCCTGGAGGCCCCTGGGGTCCAAGGATACCAGGAGCTCCACGCT[C>T]ACCCTTGGGGCCATCACGACCCTGTGAAGGATGCAGCCAGCATCAGCACCCTGAGACCTC-3'
Protein context (NP_000085.1, residues 1866-1886): GREGRDGPKG[Glu1876Lys]RGAPGILGPQ

ClinVar aggregate classification (germline): Uncertain significance (1 of 4 stars; one submission).

Submission:

Labcorp Genetics (formerly Invitae), Labcorp
Classification: Uncertain significance. Last evaluated: 2021-08-31. Review status: criteria provided, single submitter. Criteria: Invitae Variant Classification Sherloc (09022015). Collection method: clinical testing. Allele origin: germline.
Comment: This sequence change replaces glutamic acid with lysine at codon 1876 of the COL7A1 protein (p.Glu1876Lys). The glutamic acid residue is moderately conserved and there is a small physicochemical difference between glutamic acid and lysine. This variant is not present in population databases (ExAC no frequency). This variant has not been reported in the literature in individuals affected with COL7A1-related conditions. In summary, the available evidence is currently insufficient to determine the role of this variant in disease. Therefore, it has been classified as a Variant of Uncertain Significance.